The following is an entry in ClinVar:

NM_020937.4(FANCM):c.1739A>C (p.Lys580Thr)

Gene: FANCM (FA complementation group M; plus strand). Cytogenetic location: 14q21.2.
Variant type: single nucleotide variant.
Coding change: c.1739A>C on transcript NM_020937.4 (MANE Select); coding-DNA position 1739, A replaced by C.
Protein change: p.Lys580Thr; replaces lysine 580 with threonine.
Molecular consequence: missense variant.
Genome position (GRCh38, 1-based): chr14:45,164,516, A>C. VCF-style: chr14-45164516-A-C. GRCh37 (hg19) VCF-style: chr14-45633719-A-C.
Other names: c.1661A>C, p.Lys554Thr (NM_001308133.2); c.1739A>C, p.Lys580Thr (NM_001308134.2); short protein forms K554T, K580T.
Identifiers: ClinVar variation 4254641 (VCV004254641.1).

ClinVar aggregate classification (germline): Uncertain significance (1 of 4 stars; one submission).

Conditions:
Inborn genetic diseases. Identifiers: MedGen C0950123, MeSH D030342.

gnomAD v4.1: 1 of 1,613,710 alleles (0.000062%); highest among the groups gnomAD compares: Non-Finnish European, 0.000085%; no homozygotes.

Submission:

Ambry Genetics
Classification: Uncertain significance for Inborn genetic diseases. Last evaluated: 2025-08-02. Review status: criteria provided, single submitter. Criteria: Ambry Variant Classification Scheme 2023. Collection method: clinical testing. Allele origin: germline.
Comment: The p.K580T variant (also known as c.1739A>C), located in coding exon 10 of the FANCM gene, results from an A to C substitution at nucleotide position 1739. The lysine at codon 580 is replaced by threonine, an amino acid with similar properties. This amino acid position is conserved. In addition, this alteration is predicted to be tolerated by in silico analysis. Based on the available evidence, the clinical significance of this variant remains unclear.